The following is an entry in ClinVar:

ClinVar aggregate classification (germline): Likely benign (1 of 4 stars; one submission).

Submission:

CeGaT Center for Human Genetics Tuebingen
Classification: Likely benign. Last evaluated: 2025-03-01. Review status: criteria provided, single submitter. Criteria: CeGaT Center For Human Genetics Tuebingen Variant Classification Criteria Version 2. Collection method: clinical testing. Allele origin: germline. Affected: yes. Observed: 1 variant allele.
Comment: ZFHX4: BP4, BP7

NM_024721.5(ZFHX4):c.2058T>A (p.Leu686=)

Gene: ZFHX4 (zinc finger homeobox 4; plus strand). Cytogenetic location: 8q21.13.
Variant type: single nucleotide variant.
Coding change: c.2058T>A on transcript NM_024721.5 (MANE Select); coding-DNA position 2058, T replaced by A.
Protein change: p.Leu686=; no amino-acid change (leucine 686 retained).
Molecular consequence: synonymous variant.
Genome position (GRCh38, 1-based): chr8:76,706,146, T>A. VCF-style: chr8-76706146-T-A. GRCh37 (hg19) VCF-style: chr8-77618381-T-A.
Other names: c.2058T>A, p.Leu686= (NM_001410934.1).
Identifiers: ClinVar variation 3778071 (VCV003778071.7).